The following is an entry in ClinVar:

NM_133510.4(RAD51B):c.604A>C (p.Lys202Gln)

Gene: RAD51B (RAD51 paralog B; plus strand). Cytogenetic location: 14q24.1.
Variant type: single nucleotide variant.
Coding change: c.604A>C on transcript NM_133510.4 (MANE Select); coding-DNA position 604, A replaced by C.
Protein change: p.Lys202Gln; replaces lysine 202 with glutamine.
Molecular consequence: missense variant.
Genome position (GRCh38, 1-based): chr14:67,887,052, A>C. VCF-style: chr14-67887052-A-C. GRCh37 (hg19) VCF-style: chr14-68353769-A-C.
Other names: c.604A>C, p.Lys202Gln (NM_001321809.2, NM_001321810.2, NM_001321812.1 and 6 more transcripts); c.490A>C, p.Lys164Gln (NM_001321815.1); c.247A>C, p.Lys83Gln (NM_001321817.2); short protein forms K202Q, K164Q, K83Q.
Identifiers: ClinVar variation 3942289 (VCV003942289.1).

ClinVar aggregate classification (germline): Uncertain significance (1 of 4 stars; one submission).

Submission:

Ambry Genetics
Classification: Uncertain significance. Last evaluated: 2025-04-07. Review status: criteria provided, single submitter. Criteria: Ambry Variant Classification Scheme 2023. Collection method: clinical testing. Allele origin: germline.
Comment: The p.K202Q variant (also known as c.604A>C), located in coding exon 6 of the RAD51B gene, results from an A to C substitution at nucleotide position 604. The lysine at codon 202 is replaced by glutamine, an amino acid with similar properties. This amino acid position is conserved. In addition, this alteration is predicted to be tolerated by in silico analysis. Based on the available evidence, the clinical significance of this variant remains unclear.